The following is an entry in ClinVar:

NM_001035.3(RYR2):c.10189C>G (p.Arg3397Gly)

Gene: RYR2 (ryanodine receptor 2; plus strand). Cytogenetic location: 1q43.
Variant type: single nucleotide variant.
Coding change: c.10189C>G on transcript NM_001035.3 (MANE Select); coding-DNA position 10189, C replaced by G.
Protein change: p.Arg3397Gly; replaces arginine 3397 with glycine.
Molecular consequence: missense variant.
Genome position (GRCh38, 1-based): chr1:237,709,526, C>G. VCF-style: chr1-237709526-C-G. GRCh37 (hg19) VCF-style: chr1-237872826-C-G.
Other names: short protein forms R3397G.
Identifiers: ClinVar variation 2841825 (VCV002841825.3), dbSNP rs764084155, ClinGen allele CA345411677.

ClinVar aggregate classification (germline): Uncertain significance (1 of 4 stars; one submission).

Conditions:
Catecholaminergic polymorphic ventricular tachycardia 1. Also called: VENTRICULAR TACHYCARDIA, CATECHOLAMINERGIC POLYMORPHIC, 1, WITH OR WITHOUT ATRIAL DYSFUNCTION AND/OR DILATED CARDIOMYOPATHY; VENTRICULAR TACHYCARDIA, STRESS-INDUCED POLYMORPHIC 1; RYR2-Related Catecholaminergic Polymorphic Ventricular Tachycardia. Identifiers: Orphanet 3286, MedGen C1631597, MONDO:0011484, OMIM 604772.

Submission:

Labcorp Genetics (formerly Invitae), Labcorp
Classification: Uncertain significance for Catecholaminergic polymorphic ventricular tachycardia 1. Last evaluated: 2024-09-29. Review status: criteria provided, single submitter. Criteria: Invitae Variant Classification Sherloc (09022015). Collection method: clinical testing. Allele origin: germline.
Comment: This sequence change replaces arginine, which is basic and polar, with glycine, which is neutral and non-polar, at codon 3397 of the RYR2 protein (p.Arg3397Gly). This variant is not present in population databases (gnomAD no frequency). This missense change has been observed in individual(s) with clinical features of autosomal dominant RYR2-related conditions (internal data). Invitae Evidence Modeling of protein sequence and biophysical properties (such as structural, functional, and spatial information, amino acid conservation, physicochemical variation, residue mobility, and thermodynamic stability) indicates that this missense variant is not expected to disrupt RYR2 protein function with a negative predictive value of 95%. In summary, the available evidence is currently insufficient to determine the role of this variant in disease. Therefore, it has been classified as a Variant of Uncertain Significance.